The following is an entry in ClinVar:

NM_020708.5(SLC12A5):c.1080del (p.Ser361fs)

Gene: SLC12A5 (solute carrier family 12 member 5; plus strand). Cytogenetic location: 20q13.12.
Variant type: Deletion.
Coding change: c.1080del on transcript NM_020708.5 (MANE Select); coding-DNA position 1080, one base deleted (C; older notation c.1080delC).
Protein change: p.Ser361fs; shifts the reading frame from serine 361.
Molecular consequence: frameshift variant.
Genome position (GRCh38, 1-based): chr20:46,043,166, C deleted. VCF-style (leftmost placement, unchanged base first): chr20-46043165-GC-G. GRCh37 (hg19) VCF-style: chr20-44671804-GC-G.
Other names: c.1149del, p.Ser384fs (NM_001134771.2); short protein forms S361fs, S384fs.
Identifiers: ClinVar variation 4975017 (VCV004975017.1).

ClinVar aggregate classification (germline): Pathogenic (1 of 4 stars; one submission).

Conditions:
Paediatric disorders.

Submission:

North West Genomic Laboratory Hub, Manchester University NHS Foundation Trust
Classification: Pathogenic for Paediatric disorders. Last evaluated: 2026-08-27. Review status: criteria provided, single submitter. Criteria: ACGS Best Practice Guidelines for Variant Classification in Rare Disease 2024. Collection method: clinical testing. Allele origin: germline. Affected: yes.
Comment: PVS1_VStr PM2_Mod